The following is an entry in ClinVar:

NM_000051.4(ATM):c.8354A>T (p.Asp2785Val)

Genes: ATM (ATM serine/threonine kinase; plus strand), C11orf65 (chromosome 11 open reading frame 65; minus strand). Cytogenetic location: 11q22.3.
Variant type: single nucleotide variant.
Coding change: c.8354A>T on transcript NM_000051.4 (MANE Select); coding-DNA position 8354, A replaced by T.
Protein change: p.Asp2785Val; replaces aspartic acid 2785 with valine.
Molecular consequence: missense variant. On other transcripts: intron variant (2).
Genome position (GRCh38, 1-based): chr11:108,343,307, A>T. VCF-style: chr11-108343307-A-T. GRCh37 (hg19) VCF-style: chr11-108214034-A-T.
Other names: c.8354A>T, p.Asp2785Val (NM_001351834.2); c.641-34236T>A (NM_001330368.2); c.695-8015T>A (NM_001351110.2); short protein forms D2785V.
Identifiers: ClinVar variation 1171393 (VCV001171393.7), dbSNP rs1591248589, ClinGen allele CA382516489.

ClinVar aggregate classification (germline): Uncertain significance. Review status: criteria provided, multiple submitters, no conflicts (2 of 4 stars). 2 submissions from 2 submitters: Uncertain significance (2). Last evaluated 2024-03-06.

Conditions:
Hereditary cancer-predisposing syndrome. Also called: Neoplastic Syndromes, Hereditary; Tumor predisposition; Hereditary Cancer Syndrome; Hereditary neoplastic syndrome. Identifiers: Orphanet 140162, MedGen C0027672, MeSH D009386, MONDO:0015356.
Ataxia-telangiectasia syndrome (AT). Also called: Ataxia telangiectasia (A-T); ATAXIA-TELANGIECTASIA, COMPLEMENTATION GROUP A; ATAXIA-TELANGIECTASIA, FRESNO VARIANT; Ataxia-telangiectasia; Ataxia-telangiectasia, complementation group E; LOUIS-BAR SYNDROME. Identifiers: Orphanet 100, MedGen C0004135, MONDO:0008840, OMIM 208900.

Submissions (2):

Color Diagnostics, LLC DBA Color Health
Classification: Uncertain significance for Hereditary cancer-predisposing syndrome. Last evaluated: 2024-03-06. Review status: criteria provided, single submitter. Criteria: ACMG Guidelines, 2015. Collection method: clinical testing. Allele origin: germline.
Comment: This missense variant replaces aspartic acid with valine at codon 2785 of the ATM protein. Computational prediction suggests that this variant may not impact protein structure and function (internally defined REVEL score threshold <= 0.5, PMID: 27666373). To our knowledge, functional studies have not been reported for this variant. This variant has not been reported in individuals affected with hereditary cancer in the literature. This variant has not been identified in the general population by the Genome Aggregation Database (gnomAD). The available evidence is insufficient to determine the role of this variant in disease conclusively. Therefore, this variant is classified as a Variant of Uncertain Significance.

Labcorp Genetics (formerly Invitae), Labcorp
Classification: Uncertain significance for Ataxia-telangiectasia syndrome. Last evaluated: 2023-10-28. Review status: criteria provided, single submitter. Criteria: Invitae Variant Classification Sherloc (09022015). Collection method: clinical testing. Allele origin: germline.
Comment: This sequence change replaces aspartic acid, which is acidic and polar, with valine, which is neutral and non-polar, at codon 2785 of the ATM protein (p.Asp2785Val). This variant is not present in population databases (gnomAD no frequency). This variant has not been reported in the literature in individuals affected with ATM-related conditions. ClinVar contains an entry for this variant (Variation ID: 1171393). An algorithm developed to predict the effect of missense changes on protein structure and function (PolyPhen-2) suggests that this variant is likely to be tolerated. In summary, the available evidence is currently insufficient to determine the role of this variant in disease. Therefore, it has been classified as a Variant of Uncertain Significance.